The following is an entry in ClinVar:

ClinVar aggregate classification (germline): Uncertain significance (1 of 4 stars; one submission).

Conditions:
Glycogen storage disease IXa1. Also called: LIVER GLYCOGENOSIS, X-LINKED, TYPE I; GLYCOGEN STORAGE DISEASE VIII; GSD VIII; Glycogen storage disease 8. Identifiers: Orphanet 264580, MedGen C3694531, MONDO:0010598, OMIM 306000.

Submission:

Labcorp Genetics (formerly Invitae), Labcorp
Classification: Uncertain significance for Glycogen storage disease IXa1. Last evaluated: 2021-09-29. Review status: criteria provided, single submitter. Criteria: Invitae Variant Classification Sherloc (09022015). Collection method: clinical testing. Allele origin: germline.
Comment: Algorithms developed to predict the effect of missense changes on protein structure and function are either unavailable or do not agree on the potential impact of this missense change (SIFT: "Deleterious"; PolyPhen-2: "Probably Damaging"; Align-GVGD: "Class C15"). In summary, the available evidence is currently insufficient to determine the role of this variant in disease. Therefore, it has been classified as a Variant of Uncertain Significance. This variant has not been reported in the literature in individuals affected with PHKA2-related conditions. This variant is not present in population databases (ExAC no frequency). This sequence change replaces glycine with aspartic acid at codon 56 of the PHKA2 protein (p.Gly56Asp). The glycine residue is highly conserved and there is a moderate physicochemical difference between glycine and aspartic acid.

NM_000292.3(PHKA2):c.167G>A (p.Gly56Asp)

Gene: PHKA2 (phosphorylase kinase regulatory subunit alpha 2; minus strand). Cytogenetic location: Xp22.13.
Variant type: single nucleotide variant.
Coding change: c.167G>A on transcript NM_000292.3 (MANE Select); coding-DNA position 167, G replaced by A.
Protein change: p.Gly56Asp; replaces glycine 56 with aspartic acid.
Molecular consequence: missense variant.
Genome position (GRCh38, 1-based): chrX:18,954,324, C>T on the plus strand (G>A on the coding strand, the complement: PHKA2 is on the minus strand). VCF-style: chrX-18954324-C-T. GRCh37 (hg19) VCF-style: chrX-18972442-C-T.
Other names: short protein forms G56D.
Identifiers: ClinVar variation 1397155 (VCV001397155.6), dbSNP rs2147995267, ClinGen allele CA412377486.